The following is an entry in ClinVar:

NM_001267550.2(TTN):c.61367del (p.Gly20456fs)

Genes: TTN (titin; minus strand), TTN-AS1 (TTN antisense RNA 1; plus strand). Cytogenetic location: 2q31.2.
Variant type: Deletion.
Coding change: c.61367del on transcript NM_001267550.2 (MANE Select); coding-DNA position 61367, one base deleted (G; older notation c.61367delG).
Protein change: p.Gly20456fs; shifts the reading frame from glycine 20456.
Molecular consequence: frameshift variant.
Genome position (GRCh38, 1-based): chr2:178,590,358, C deleted on the plus strand (G on the coding strand, the reverse complement: TTN is on the minus strand); the first of 3 consecutive C bases (chr2:178,590,358-178,590,360); deleting any one gives the same sequence. VCF-style (leftmost placement, unchanged base first): chr2-178590357-AC-A. GRCh37 (hg19) VCF-style: chr2-179455084-AC-A.
Other names: c.56444del, p.Gly18815fs (NM_001256850.1); c.34172del, p.Gly11391fs (NM_003319.4); c.53663del, p.Gly17888fs (NM_133378.4); c.34547del, p.Gly11516fs (NM_133432.3); c.34748del, p.Gly11583fs (NM_133437.4); short protein forms G11583fs, G11391fs, G11516fs, G17888fs, G18815fs, G20456fs.
Identifiers: ClinVar variation 1488512 (VCV001488512.8), dbSNP rs2154184341, ClinGen allele CA2573133834.
Genomic context (GRCh38, chr2:178,590,357, plus strand): 5'-TACTTCTGGAGGATGAAGGATATCTTTTGCAATCACAGATTCTGCTAGTTCTCTTGGCTC[AC>A]CCTCTCCTACAATATTAGCTGCCTTTATACGGAATCTGTACTCATTTCCTTCAATTAGTC-3'

ClinVar aggregate classification (germline): Likely pathogenic (1 of 4 stars; one submission).

Conditions:
Dilated cardiomyopathy 1G (CMD1G). Identifiers: Orphanet 154, MedGen C1858763, MONDO:0011400, OMIM 604145.
Autosomal recessive limb-girdle muscular dystrophy type 2J (LGMDR10). Also called: Limb-girdle muscular dystrophy, type 2J; MUSCULAR DYSTROPHY, LIMB-GIRDLE, AUTOSOMAL RECESSIVE 10. Identifiers: Orphanet 140922, MedGen C1837342, MONDO:0012127, OMIM 608807.

Submission:

Labcorp Genetics (formerly Invitae), Labcorp
Classification: Likely pathogenic for Dilated cardiomyopathy 1G; Autosomal recessive limb-girdle muscular dystrophy type 2J. Last evaluated: 2021-04-12. Review status: criteria provided, single submitter. Criteria: Invitae Variant Classification Sherloc (09022015). Collection method: clinical testing. Allele origin: germline.
Comment: This sequence change creates a premature translational stop signal (p.Gly20456Valfs*6) in the TTN gene. While this is not anticipated to result in nonsense mediated decay, it is expected to create a truncated TTN protein. This variant has not been reported in the literature in individuals with TTN-related conditions. This variant is not present in population databases (ExAC no frequency). In summary, the currently available evidence indicates that the variant is pathogenic, but additional data are needed to prove that conclusively. Therefore, this variant has been classified as Likely Pathogenic. Algorithms developed to predict the effect of sequence changes on RNA splicing suggest that this variant may create or strengthen a splice site, but this prediction has not been confirmed by published transcriptional studies. This variant is located in the A band of TTN (PMID: 25589632). Truncating variants in this region are significantly overrepresented in patients affected with dilated cardiomyopathy (PMID: 25589632). Truncating variants in this region have also been reported in individuals affected with autosomal recessive centronuclear myopathy (PMID: 23975875).

Literature cited by the submitters: PubMed 25589632; PubMed 23975875.